The following is an entry in ClinVar:

ClinVar aggregate classification (germline): Uncertain significance. Review status: criteria provided, multiple submitters, no conflicts (2 of 4 stars). 2 submissions from 2 submitters: Uncertain significance (2). Last evaluated 2026-05-08.

Conditions:
PKD1-related disorder. Also called: PKD1-related condition.

Submissions (2):

Women's Health and Genetics/Laboratory Corporation of America, LabCorp
Classification: Uncertain significance. Last evaluated: 2026-05-08. Review status: criteria provided, single submitter. Criteria: LabCorp Variant Classification Summary - May 2015. Collection method: clinical testing. Allele origin: germline.
Comment: Variant summary: PKD1 c.44T>C (p.Leu15Pro) results in a non-conservative amino acid change in the encoded protein sequence. Algorithms developed to predict the effect of missense changes on protein structure and function are either unavailable or do not agree on the potential impact of this missense change. The variant was absent in 24490 control chromosomes. The available data on variant occurrences in the general population are insufficient to allow any conclusion about variant significance. To our knowledge, no occurrence of c.44T>C in individuals affected with PKD1-related conditions and no experimental evidence demonstrating its impact on protein function have been reported. No submitters have cited clinical-significance assessments for this variant to ClinVar. Based on the evidence outlined above, the variant was classified as uncertain significance.

PreventionGenetics, part of Exact Sciences
Classification: Uncertain significance for PKD1-related condition. Last evaluated: 2025-09-02. Review status: criteria provided, single submitter. Criteria: ACMG Guidelines, 2015. Collection method: clinical testing. Allele origin: germline.
Comment: The PKD1 c.44T>C variant is predicted to result in the amino acid substitution p.Leu15Pro. To our knowledge, this variant has not been reported in the literature or in a large population database (gnomAD), indicating this variant is rare. At this time, the clinical significance of this variant is uncertain due to the absence of conclusive functional and genetic evidence.

NM_001009944.3(PKD1):c.44T>C (p.Leu15Pro)

Gene: PKD1 (polycystin 1, transient receptor potential channel interacting; minus strand). Cytogenetic location: 16p13.3.
Variant type: single nucleotide variant.
Coding change: c.44T>C on transcript NM_001009944.3 (MANE Select); coding-DNA position 44, T replaced by C.
Protein change: p.Leu15Pro; replaces leucine 15 with proline.
Molecular consequence: missense variant.
Genome position (GRCh38, 1-based): chr16:2,135,646, A>G on the plus strand (T>C on the coding strand, the complement: PKD1 is on the minus strand). VCF-style: chr16-2135646-A-G. GRCh37 (hg19) VCF-style: chr16-2185647-A-G.
Other names: c.44T>C, p.Leu15Pro (NM_000296.4); short protein forms L15P.
Identifiers: ClinVar variation 4853395 (VCV004853395.2).